The following is an entry in ClinVar:

NM_014795.4(ZEB2):c.1001G>C (p.Cys334Ser)

Gene: ZEB2 (zinc finger E-box binding homeobox 2; minus strand). Cytogenetic location: 2q22.3.
Variant type: single nucleotide variant.
Coding change: c.1001G>C on transcript NM_014795.4 (MANE Select); coding-DNA position 1001, G replaced by C.
Protein change: p.Cys334Ser; replaces cysteine 334 with serine.
Molecular consequence: missense variant.
Genome position (GRCh38, 1-based): chr2:144,400,186, C>G on the plus strand (G>C on the coding strand, the complement: ZEB2 is on the minus strand). VCF-style: chr2-144400186-C-G. GRCh37 (hg19) VCF-style: chr2-145157753-C-G.
Other names: c.929G>C, p.Cys310Ser (NM_001171653.2); short protein forms C310S, C334S.
Identifiers: ClinVar variation 1708429 (VCV001708429.2), dbSNP rs2549107171, ClinGen allele CA348713159.

ClinVar aggregate classification (germline): Likely pathogenic (1 of 4 stars; one submission).

Submission:

Centre of Medical Genetics, University Hospital Muenster
Classification: Likely pathogenic. Last evaluated: 2021-05-04. Review status: criteria provided, single submitter. Criteria: ACMG Guidelines, 2015. Collection method: clinical testing. Allele origin: de novo. Affected: yes. Observed: 1 variant allele, 1 heterozygote.
Comment: ACMG categories: PS2,PM1,PM2,BP1